The following is an entry in ClinVar:

ClinVar aggregate classification (germline): Pathogenic (1 of 4 stars; one submission).

Conditions:
Hereditary cancer-predisposing syndrome. Also called: Neoplastic Syndromes, Hereditary; Tumor predisposition; Hereditary neoplastic syndrome; Hereditary Cancer Syndrome. Identifiers: Orphanet 140162, MedGen C0027672, MeSH D009386, MONDO:0015356.

Submission:

Ambry Genetics
Classification: Pathogenic for Hereditary cancer-predisposing syndrome. Last evaluated: 2023-02-15. Review status: criteria provided, single submitter. Criteria: Ambry Variant Classification Scheme 2023. Collection method: clinical testing. Allele origin: germline.
Comment: The p.Y249* variant (also known as c.747C>A), located in coding exon 3 of the SMARCA4 gene, results from a C to A substitution at nucleotide position 747. This changes the amino acid from a tyrosine to a stop codon within coding exon 3. This alteration is expected to result in loss of function by premature protein truncation or nonsense-mediated mRNA decay. Loss-of-function variants in SMARCA4 are known to cause rhabdoid tumor predisposition syndrome including small cell carcinoma of the ovary-hypercalcemic type (SCCOHT); however, such associations with neurodevelopmental disorders are exceedingly rare (Kosho T et al. Am J Med Genet C Semin Med Genet. 2014 Sep;166C(3):262-75; Jelinic P et al. Nat Genet. 2014 May;46(5):424-6). This variant is considered to be rare based on population cohorts in the Genome Aggregation Database (gnomAD). Based on the supporting evidence, this alteration is pathogenic for rhabdoid tumor predisposition syndrome; however, the association of this alteration with Coffin-Siris syndrome is unlikely.

NM_003072.5(SMARCA4):c.747C>A (p.Tyr249Ter)

Gene: SMARCA4 (SWI/SNF related BAF chromatin remodeling complex subunit ATPase 4; plus strand). Cytogenetic location: 19p13.2.
Variant type: single nucleotide variant.
Coding change: c.747C>A on transcript NM_003072.5 (MANE Select); coding-DNA position 747, C replaced by A.
Protein change: p.Tyr249Ter; replaces tyrosine 249 with a stop codon.
Molecular consequence: nonsense. On other transcripts: non-coding transcript variant (1).
Genome position (GRCh38, 1-based): chr19:10,986,580, C>A. VCF-style: chr19-10986580-C-A. GRCh37 (hg19) VCF-style: chr19-11097256-C-A.
Other names: c.747C>A, p.Tyr249Ter (NM_001128844.3, NM_001128845.2, NM_001128846.2 and 6 more transcripts); short protein forms Y249*.
Identifiers: ClinVar variation 2452872 (VCV002452872.2), dbSNP rs756224211, ClinGen allele CA404057287.
Genomic context (GRCh38, chr19:10,986,580, plus strand): 5'-ACCCGGCCCTGGCCCTGGCCCTGGCCCCGGCCCGGGTCCCGGCCCGGCACCTCCAAATTA[C>A]AGCAGGCCTCATGGTAAGACTGGCTGCCCTGGCCCTCAGGTGTCTCAGAGCGAATGGCTG-3'